The following is an entry in ClinVar:

ClinVar aggregate classification (germline): Uncertain significance (1 of 4 stars; one submission).

Submission:

GeneDx
Classification: Uncertain significance. Last evaluated: 2025-05-01. Review status: criteria provided, single submitter. Criteria: GeneDx Variant Classification Process June 2021. Collection method: clinical testing. Allele origin: germline. Affected: yes.
Comment: Not observed at significant frequency in large population cohorts (gnomAD); In silico analysis supports that this missense variant has a deleterious effect on protein structure/function; Has not been previously published as pathogenic or benign to our knowledge

NM_002430.3(MN1):c.2108G>A (p.Gly703Glu)

Gene: MN1 (MN1 proto-oncogene, transcriptional regulator; minus strand). Cytogenetic location: 22q12.1.
Variant type: single nucleotide variant.
Coding change: c.2108G>A on transcript NM_002430.3 (MANE Select); coding-DNA position 2108, G replaced by A.
Protein change: p.Gly703Glu; replaces glycine 703 with glutamic acid.
Molecular consequence: missense variant.
Genome position (GRCh38, 1-based): chr22:27,798,436, C>T on the plus strand (G>A on the coding strand, the complement: MN1 is on the minus strand). VCF-style: chr22-27798436-C-T. GRCh37 (hg19) VCF-style: chr22-28194424-C-T.
Other names: short protein forms G703E.
Identifiers: ClinVar variation 4527596 (VCV004527596.1).